The following is an entry in ClinVar:

NM_147127.5(EVC2):c.851C>G (p.Thr284Arg)

Gene: EVC2 (EvC ciliary complex subunit 2; minus strand). Cytogenetic location: 4p16.2.
Variant type: single nucleotide variant.
Coding change: c.851C>G on transcript NM_147127.5 (MANE Select); coding-DNA position 851, C replaced by G.
Protein change: p.Thr284Arg; replaces threonine 284 with arginine.
Molecular consequence: missense variant.
Genome position (GRCh38, 1-based): chr4:5,681,279, G>C on the plus strand (C>G on the coding strand, the complement: EVC2 is on the minus strand). VCF-style: chr4-5681279-G-C. GRCh37 (hg19) VCF-style: chr4-5683006-G-C.
Other names: c.611C>G, p.Thr204Arg (NM_001166136.2); short protein forms T204R, T284R.
Identifiers: ClinVar variation 847688 (VCV000847688.2), dbSNP rs771493745, ClinGen allele CA356145754.

ClinVar aggregate classification (germline): Uncertain significance (1 of 4 stars; one submission).

Conditions:
Ellis-van Creveld syndrome (EVC). Also called: MESOECTODERMAL DYSPLASIA; EVC-Related Ellis-van Creveld Syndrome; EVC2-Related Ellis-van Creveld Syndrome; Chondroectodermal dysplasia. Identifiers: Orphanet 289, MedGen C0013903, MONDO:0009162, OMIM 225500.
Curry-Hall syndrome (WAD). Also called: WEYERS ACRODENTAL DYSOSTOSIS. Identifiers: Orphanet 952, MedGen C0457013, MONDO:0008673, OMIM 193530.

Allele frequency attached by ClinVar (database versions not stated): gnomAD 0.00001.
gnomAD v4.1: 1 of 1,614,092 alleles (0.000062%); highest among the groups gnomAD compares: Non-Finnish European, 0.000085%; no homozygotes.

Submission:

Labcorp Genetics (formerly Invitae), Labcorp
Classification: Uncertain significance for Curry-Hall syndrome; Ellis-van Creveld syndrome. Last evaluated: 2019-12-26. Review status: criteria provided, single submitter. Criteria: Invitae Variant Classification Sherloc (09022015). Collection method: clinical testing. Allele origin: germline.
Comment: This sequence change replaces threonine with arginine at codon 284 of the EVC2 protein (p.Thr284Arg). The threonine residue is moderately conserved and there is a moderate physicochemical difference between threonine and arginine. This variant is not present in population databases (ExAC no frequency). This variant has not been reported in the literature in individuals with EVC2-related conditions. Algorithms developed to predict the effect of missense changes on protein structure and function output the following: SIFT: "Tolerated"; PolyPhen-2: "Probably Damaging"; Align-GVGD: "Class C0". The arginine amino acid residue is found in multiple mammalian species, suggesting that this missense change does not adversely affect protein function. These predictions have not been confirmed by published functional studies and their clinical significance is uncertain. Algorithms developed to predict the effect of sequence changes on RNA splicing suggest that this variant may create or strengthen a splice site, but this prediction has not been confirmed by published transcriptional studies. In summary, the available evidence is currently insufficient to determine the role of this variant in disease. Therefore, it has been classified as a Variant of Uncertain Significance.